The following is an entry in ClinVar:

NM_006493.4(CLN5):c.395C>T (p.Thr132Ile)

Gene: CLN5 (CLN5 lysosomal BMP synthase; plus strand). Cytogenetic location: 13q22.3.
Variant type: single nucleotide variant.
Coding change: c.395C>T on transcript NM_006493.4 (MANE Select); coding-DNA position 395, C replaced by T.
Protein change: p.Thr132Ile; replaces threonine 132 with isoleucine.
Molecular consequence: missense variant.
Genome position (GRCh38, 1-based): chr13:76,995,957, C>T. VCF-style: chr13-76995957-C-T. GRCh37 (hg19) VCF-style: chr13-77570092-C-T.
Other names: c.395C>T, p.Thr132Ile (NM_001366624.2); short protein forms T132I.
Identifiers: ClinVar variation 1472926 (VCV001472926.6), dbSNP rs1305273453, ClinGen allele CA388308806.

ClinVar aggregate classification (germline): Uncertain significance (1 of 4 stars; one submission).

Conditions:
Neuronal ceroid lipofuscinosis. Also called: Neuronal Ceroid Lipofuscinoses. Identifiers: Orphanet 216, Orphanet 79263, MedGen C0027877, MONDO:0016295. Disease mechanism: loss of function.

Submission:

Labcorp Genetics (formerly Invitae), Labcorp
Classification: Uncertain significance for Neuronal ceroid lipofuscinosis. Last evaluated: 2021-12-09. Review status: criteria provided, single submitter. Criteria: Invitae Variant Classification Sherloc (09022015). Collection method: clinical testing. Allele origin: germline.
Comment: This sequence change replaces threonine, which is neutral and polar, with isoleucine, which is neutral and non-polar, at codon 181 of the CLN5 protein (p.Thr181Ile). This variant is not present in population databases (gnomAD no frequency). This variant has not been reported in the literature in individuals affected with CLN5-related conditions. Algorithms developed to predict the effect of missense changes on protein structure and function (SIFT, PolyPhen-2, Align-GVGD) all suggest that this variant is likely to be disruptive. In summary, the available evidence is currently insufficient to determine the role of this variant in disease. Therefore, it has been classified as a Variant of Uncertain Significance.